The following is an entry in ClinVar:

NM_020937.4(FANCM):c.2516T>G (p.Ile839Ser)

Gene: FANCM (FA complementation group M; plus strand). Cytogenetic location: 14q21.2.
Variant type: single nucleotide variant.
Coding change: c.2516T>G on transcript NM_020937.4 (MANE Select); coding-DNA position 2516, T replaced by G.
Protein change: p.Ile839Ser; replaces isoleucine 839 with serine.
Molecular consequence: missense variant.
Genome position (GRCh38, 1-based): chr14:45,175,270, T>G. VCF-style: chr14-45175270-T-G. GRCh37 (hg19) VCF-style: chr14-45644473-T-G.
Other names: c.2438T>G, p.Ile813Ser (NM_001308133.2); short protein forms I813S, I839S.
Identifiers: ClinVar variation 3689230 (VCV003689230.3).

ClinVar aggregate classification (germline): Uncertain significance. Review status: criteria provided, multiple submitters, no conflicts (2 of 4 stars). 2 submissions from 2 submitters: Uncertain significance (2). Last evaluated 2025-10-02.

Conditions:
Fanconi anemia (FA). Also called: Fanconi's anemia. Identifiers: Orphanet 84, MedGen C0015625, MeSH D005199, MONDO:0019391.
Inborn genetic diseases. Identifiers: MedGen C0950123, MeSH D030342.

Submissions (2):

Ambry Genetics
Classification: Uncertain significance for Inborn genetic diseases. Last evaluated: 2025-10-02. Review status: criteria provided, single submitter. Criteria: Ambry Variant Classification Scheme 2023. Collection method: clinical testing. Allele origin: germline.
Comment: The p.I839S variant (also known as c.2516T>G), located in coding exon 14 of the FANCM gene, results from a T to G substitution at nucleotide position 2516. The isoleucine at codon 839 is replaced by serine, an amino acid with dissimilar properties. This amino acid position is conserved. In addition, this alteration is predicted to be tolerated by in silico analysis. Based on the available evidence, the clinical significance of this variant remains unclear.

Labcorp Genetics (formerly Invitae), Labcorp
Classification: Uncertain significance for Fanconi anemia. Last evaluated: 2024-03-01. Review status: criteria provided, single submitter. Criteria: Invitae Variant Classification Sherloc (09022015). Collection method: clinical testing. Allele origin: germline.
Comment: This sequence change replaces isoleucine, which is neutral and non-polar, with serine, which is neutral and polar, at codon 839 of the FANCM protein (p.Ile839Ser). This variant is not present in population databases (gnomAD no frequency). This variant has not been reported in the literature in individuals affected with FANCM-related conditions. An algorithm developed to predict the effect of missense changes on protein structure and function (PolyPhen-2) suggests that this variant is likely to be tolerated. In summary, the available evidence is currently insufficient to determine the role of this variant in disease. Therefore, it has been classified as a Variant of Uncertain Significance.